The following is an entry in ClinVar:

ClinVar aggregate classification (germline): Uncertain significance (1 of 4 stars; one submission).

Conditions:
Cardiovascular phenotype. Identifiers: MedGen CN230736.

Submission:

Ambry Genetics
Classification: Uncertain significance for Cardiovascular phenotype. Last evaluated: 2019-06-21. Review status: criteria provided, single submitter. Criteria: Ambry Variant Classification Scheme 2023. Collection method: clinical testing. Allele origin: germline.
Comment: The p.I79V variant (also known as c.235A>G), located in coding exon 1 of the KCNJ2 gene, results from an A to G substitution at nucleotide position 235. The isoleucine at codon 79 is replaced by valine, an amino acid with highly similar properties. This amino acid position is highly conserved in available vertebrate species. In addition, the in silico prediction for this alteration is inconclusive. Since supporting evidence is limited at this time, the clinical significance of this alteration remains unclear.

NM_000891.3(KCNJ2):c.235A>G (p.Ile79Val)

Gene: KCNJ2 (potassium inwardly rectifying channel subfamily J member 2; plus strand). Cytogenetic location: 17q24.3.
Variant type: single nucleotide variant.
Coding change: c.235A>G on transcript NM_000891.3 (MANE Select); coding-DNA position 235, A replaced by G.
Protein change: p.Ile79Val; replaces isoleucine 79 with valine.
Molecular consequence: missense variant.
Genome position (GRCh38, 1-based): chr17:70,175,274, A>G. VCF-style: chr17-70175274-A-G. GRCh37 (hg19) VCF-style: chr17-68171415-A-G.
Other names: short protein forms I79V.
Identifiers: ClinVar variation 1790123 (VCV001790123.2), dbSNP rs2509920934, ClinGen allele CA400860159.